The following is an entry in ClinVar:

ClinVar aggregate classification (germline): Uncertain significance. Review status: criteria provided, multiple submitters, no conflicts (2 of 4 stars). 2 submissions from 2 submitters: Uncertain significance (2). Last evaluated 2024-12-22.

Conditions:
Hereditary pancreatitis (PCTT). Also called: PRSS1-Related Hereditary Pancreatitis; Hereditary chronic pancreatitis. Identifiers: Orphanet 676, MedGen C0238339, MONDO:0008185, OMIM 167800.

Allele frequency attached by ClinVar (database versions not stated): TOPMed below 0.00001.

Submissions (2):

Ambry Genetics
Classification: Uncertain significance for Hereditary pancreatitis. Last evaluated: 2024-12-22. Review status: criteria provided, single submitter. Criteria: Ambry Variant Classification Scheme 2023. Collection method: clinical testing. Allele origin: germline.
Comment: The p.I69V variant (also known as c.205A>G), located in coding exon 3 of the PRSS1 gene, results from an A to G substitution at nucleotide position 205. The isoleucine at codon 69 is replaced by valine, an amino acid with highly similar properties. This amino acid position is not well conserved in available vertebrate species. In addition, the in silico prediction for this alteration is inconclusive. Based on the available evidence, the clinical significance of this variant remains unclear.

Labcorp Genetics (formerly Invitae), Labcorp
Classification: Uncertain significance for Hereditary pancreatitis. Last evaluated: 2023-04-30. Review status: criteria provided, single submitter. Criteria: Invitae Variant Classification Sherloc (09022015). Collection method: clinical testing. Allele origin: germline.
Comment: This sequence change replaces isoleucine, which is neutral and non-polar, with valine, which is neutral and non-polar, at codon 69 of the PRSS1 protein (p.Ile69Val). This variant is not present in population databases (gnomAD no frequency). This variant has not been reported in the literature in individuals affected with PRSS1-related conditions. Advanced modeling of protein sequence and biophysical properties (such as structural, functional, and spatial information, amino acid conservation, physicochemical variation, residue mobility, and thermodynamic stability) performed at Invitae indicates that this missense variant is not expected to disrupt PRSS1 protein function. In summary, the available evidence is currently insufficient to determine the role of this variant in disease. Therefore, it has been classified as a Variant of Uncertain Significance.

NM_002769.5(PRSS1):c.205A>G (p.Ile69Val)

Genes: TRB (T cell receptor beta locus; plus strand), PRSS1 (serine protease 1; plus strand). Cytogenetic location: 7q34.
Variant type: single nucleotide variant.
Coding change: c.205A>G on transcript NM_002769.5 (MANE Select); coding-DNA position 205, A replaced by G.
Protein change: p.Ile69Val; replaces isoleucine 69 with valine.
Molecular consequence: missense variant. On other transcripts: non-coding transcript variant (2).
Genome position (GRCh38, 1-based): chr7:142,751,778, A>G. VCF-style: chr7-142751778-A-G. GRCh37 (hg19) VCF-style: chr7-142459629-A-G.
Other names: c.205A>G (NM_002769.4); short protein forms I69V.
Identifiers: ClinVar variation 2899912 (VCV002899912.4), dbSNP rs1798755905, ClinGen allele CA369608339.